The following is an entry in ClinVar:

NM_001130009.3(GEN1):c.2014T>A (p.Leu672Met)

Gene: GEN1 (GEN1 Holliday junction 5' flap endonuclease; plus strand). Cytogenetic location: 2p24.2.
Variant type: single nucleotide variant.
Coding change: c.2014T>A on transcript NM_001130009.3 (MANE Select); coding-DNA position 2014, T replaced by A.
Protein change: p.Leu672Met; replaces leucine 672 with methionine.
Molecular consequence: missense variant.
Genome position (GRCh38, 1-based): chr2:17,781,226, T>A. VCF-style: chr2-17781226-T-A. GRCh37 (hg19) VCF-style: chr2-17962493-T-A.
Other names: c.2014T>A, p.Leu672Met (NM_182625.5); short protein forms L672M.
Identifiers: ClinVar variation 4029183 (VCV004029183.1).

ClinVar aggregate classification (germline): Uncertain significance (1 of 4 stars; one submission).

gnomAD v4.1: 1 of 1,613,654 alleles (0.000062%); highest among the groups gnomAD compares: East Asian, 0.0022%; no homozygotes.

Submission:

Ambry Genetics
Classification: Uncertain significance. Last evaluated: 2025-03-30. Review status: criteria provided, single submitter. Criteria: Ambry Variant Classification Scheme 2023. Collection method: clinical testing. Allele origin: germline.
Comment: The p.L672M variant (also known as c.2014T>A), located in coding exon 13 of the GEN1 gene, results from a T to A substitution at nucleotide position 2014. The leucine at codon 672 is replaced by methionine, an amino acid with highly similar properties. This amino acid position is conserved. In addition, this alteration is predicted to be tolerated by in silico analysis. Based on the available evidence, the clinical significance of this variant remains unclear.